The following is an entry in ClinVar:

ClinVar aggregate classification (germline): Uncertain significance. Review status: criteria provided, multiple submitters, no conflicts (2 of 4 stars). 5 submissions from 5 submitters: Uncertain significance (5). Last evaluated 2025-10-31.

Conditions:
Hereditary nonpolyposis colorectal neoplasms. Identifiers: MedGen C0009405, MeSH D003123.
Hereditary cancer-predisposing syndrome. Also called: Hereditary neoplastic syndrome; Tumor predisposition; Hereditary Cancer Syndrome; Neoplastic Syndromes, Hereditary. Identifiers: Orphanet 140162, MedGen C0027672, MeSH D009386, MONDO:0015356.
Lynch syndrome 4 (LYNCH4). Also called: Colorectal cancer, hereditary nonpolyposis, type 4; Hereditary non-polyposis colorectal cancer, type 4. Identifiers: Orphanet 144, MedGen C1838333, MONDO:0013699, OMIM 614337. Disease mechanism: loss of function.
Mismatch repair cancer syndrome 1 (MMRCS1). Also called: BRAIN TUMOR-POLYPOSIS SYNDROME 1; BTP1 SYNDROME; CHILDHOOD CANCER SYNDROME; MISMATCH REPAIR DEFICIENCY; MMR DEFICIENCY. Identifiers: Orphanet 252202, MedGen C5399763, MONDO:0010159, OMIM 276300. Disease mechanism: loss of function.

Submissions (5):

Labcorp Genetics (formerly Invitae), Labcorp
Classification: Uncertain significance for Hereditary nonpolyposis colorectal neoplasms. Last evaluated: 2025-10-31. Review status: criteria provided, single submitter. Criteria: Invitae Variant Classification Sherloc (09022015). Collection method: clinical testing. Allele origin: germline.
Comment: This sequence change replaces glutamine, which is neutral and polar, with histidine, which is basic and polar, at codon 25 of the PMS2 protein (p.Gln25His). This variant is not present in population databases (gnomAD no frequency). This missense change has been observed in individual(s) with suspected Lynch syndrome (PMID: 28449805). ClinVar contains an entry for this variant (Variation ID: 492296). Invitae Evidence Modeling incorporating data from in vitro experimental studies (internal data) indicates that this missense variant is not expected to disrupt PMS2 function with a negative predictive value of 95%. In summary, the available evidence is currently insufficient to determine the role of this variant in disease. Therefore, it has been classified as a Variant of Uncertain Significance.

Color Diagnostics, LLC DBA Color Health
Classification: Uncertain significance for Hereditary cancer-predisposing syndrome. Last evaluated: 2024-05-31. Review status: criteria provided, single submitter. Criteria: ACMG Guidelines, 2015. Collection method: clinical testing. Allele origin: germline.
Comment: This missense variant replaces glutamine with histidine at codon 25 of the PMS2 protein. Computational prediction is inconclusive regarding the impact of this variant on protein structure and function (internally defined REVEL score threshold 0.5 < inconclusive < 0.7, PMID: 27666373). To our knowledge, functional studies have not been reported for this variant. This variant has been reported in an individual suspected to be affected with Lynch syndrome (PMID: 28449805). This variant has not been identified in the general population by the Genome Aggregation Database (gnomAD). The available evidence is insufficient to determine the role of this variant in disease conclusively. Therefore, this variant is classified as a Variant of Uncertain Significance.

Baylor Genetics
Classification: Uncertain significance for Lynch syndrome 4. Last evaluated: 2023-10-13. Review status: criteria provided, single submitter. Criteria: ACMG Guidelines, 2015. Collection method: clinical testing. Allele origin: unknown.

Ambry Genetics
Classification: Uncertain significance for Hereditary cancer-predisposing syndrome. Last evaluated: 2020-11-16. Review status: criteria provided, single submitter. Criteria: Ambry Variant Classification Scheme 2023. Collection method: clinical testing. Allele origin: germline.
Comment: The p.Q25H variant (also known as c.75G>T), located in coding exon 2 of the PMS2 gene, results from a G to T substitution at nucleotide position 75. The glutamine at codon 25 is replaced by histidine, an amino acid with highly similar properties. This amino acid position is well conserved in available vertebrate species. In addition, this alteration is predicted to be deleterious by in silico analysis. Since supporting evidence is limited at this time, the clinical significance of this alteration remains unclear.

Fulgent Genetics
Classification: Uncertain significance for Mismatch repair cancer syndrome 1; Lynch syndrome 4. Last evaluated: 2018-10-31. Review status: criteria provided, single submitter. Criteria: ACMG Guidelines, 2015. Collection method: clinical testing. Allele origin: unknown.

Literature cited by the submitters: PubMed 28449805 (cited by 3 submitters).

NM_000535.7(PMS2):c.75G>T (p.Gln25His)

Gene: PMS2 (PMS1 homolog 2, mismatch repair system component; minus strand). Cytogenetic location: 7p22.1.
Variant type: single nucleotide variant.
Coding change: c.75G>T on transcript NM_000535.7 (MANE Select); coding-DNA position 75, G replaced by T.
Protein change: p.Gln25His; replaces glutamine 25 with histidine.
Molecular consequence: missense variant. On other transcripts: 5 prime UTR variant (8), non-coding transcript variant (1), intron variant (3).
Genome position (GRCh38, 1-based): chr7:6,005,980, C>A on the plus strand (G>T on the coding strand, the complement: PMS2 is on the minus strand). VCF-style: chr7-6005980-C-A. GRCh37 (hg19) VCF-style: chr7-6045611-C-A.
Other names: c.-331G>T (NM_001322003.2, NM_001322005.2, NM_001322009.2 and 1 more transcripts); c.75G>T, p.Gln25His (NM_001322006.2, NM_001322014.2); c.-141G>T (NM_001322007.2); c.-810G>T (NM_001322011.2, NM_001322012.2); c.-410G>T (NM_001322015.2); c.-52-1922G>T (NM_001322008.2); c.-242-1922G>T (NM_001322010.2, NM_001322004.2); short protein forms Q25H.
Identifiers: ClinVar variation 492296 (VCV000492296.15), dbSNP rs1554306525, ClinGen allele CA366745109.